The following is an entry in ClinVar:

NM_000548.5(TSC2):c.482-10T>A

Gene: TSC2 (TSC complex subunit 2; plus strand). Cytogenetic location: 16p13.3.
Variant type: single nucleotide variant.
Coding change: c.482-10T>A on transcript NM_000548.5 (MANE Select); 10 bases into the intron before coding-DNA position 482, T replaced by A.
Molecular consequence: intron variant.
Genome position (GRCh38, 1-based): chr16:2,055,392, T>A. VCF-style: chr16-2055392-T-A. GRCh37 (hg19) VCF-style: chr16-2105393-T-A.
Other names: c.-1166-10T>A (NM_001406693.1); c.572-10T>A (NM_001406667.1, NM_001406668.1); c.-335-10T>A (NM_001406680.1, NM_001406683.1, NM_001406687.1); c.-950-10T>A (NM_001406689.1, NM_001406690.1, NM_001406692.1 and 2 more transcripts); c.-1126-10T>A (NM_001406698.1); c.482-10T>A (NM_001114382.3, NM_001406663.1, NM_001406664.1 and 8 more transcripts); c.-831-10T>A (NM_001406694.1, NM_001406695.1); c.-938-10T>A (NM_001406696.1); and 6 more.
Identifiers: ClinVar variation 3073781 (VCV003073781.1), dbSNP rs2548432795, ClinGen allele CA2631113420.

ClinVar aggregate classification (germline): Uncertain significance (1 of 4 stars; one submission).

Conditions:
Tuberous sclerosis syndrome (TSC). Also called: Tuberous Sclerosis Complex; Tuberous sclerosis. Identifiers: Orphanet 805, MedGen C0041341, MONDO:0001734.

Allele frequency attached by ClinVar (database versions not stated): gnomAD exomes below 0.00001.
gnomAD v4.1: 1 of 1,613,138 alleles (0.000062%); highest among the groups gnomAD compares: Non-Finnish European, 0.000085%; no homozygotes.

Submission:

All of Us Research Program, National Institutes of Health
Classification: Uncertain significance for Tuberous sclerosis syndrome. Last evaluated: 2023-10-06. Review status: criteria provided, single submitter. Criteria: ACMG Guidelines, 2015. Collection method: clinical testing. Allele origin: germline. Inheritance: Autosomal dominant inheritance. Observed: 1 variant allele, 1 heterozygote.
Comment: This variant causes a T to A nucleotide substitution at the -10 position of intron 5 of the TSC2 gene. Splice site prediction tools predict that this variant may have a significant impact on RNA splicing. To our knowledge, RNA studies have not been reported for this variant. This variant has not been reported in individuals affected with TSC2-related disorders in the literature. This variant has not been identified in the general population by the Genome Aggregation Database (gnomAD). The available evidence is insufficient to determine the role of this variant in disease conclusively. Therefore, this variant is classified as a Variant of Uncertain Significance.

This study involves interpretation of variants in research participants for the purpose of population health screening. Participant phenotype was not available at the time of variant classification. Additional details can be found in publication PMID: 35346344, PMCID: PMC8962531